The following continues an entry in ClinVar:

NM_000038.6(APC):c.3920T>A (p.Ile1307Lys)

Gene: APC. ClinVar aggregate classification (germline): Conflicting classifications of pathogenicity; association; risk factor. Pathogenic (6); Likely pathogenic (9); Pathogenic, low penetrance (1); Established risk allele (6); Uncertain significance (12).

Submissions 54 to 60 of 60:

Department of Pathology and Laboratory Medicine, Sinai Health System
Classification: Established risk allele for Colorectal cancer. Review status: no assertion criteria provided. Collection method: research. Allele origin: unknown. Not counted in ClinVar's aggregate classification.
Comment: The APC c.3920T>A (p.Ile1307Lys) variant was identified in 6 of 812 proband chromosomes (frequency: 0.007) from individuals or families with colorectal cancer and was present in 16 of 286 control chromosomes (frequency: 0.056) from healthy individuals (Fraying 1998, Nielsen 2005, Yantiss 2009). The p.Ile1307Lys variant was also identified in dbSNP (ID: rs1801155) as “With Pathogenic allele”; in NHLBI Exome Sequencing Project (Exome Variant Server), the variant was identified in 14 of 8600 European American alleles and was not found in 4404 African American alleles. In the Exome Aggregation Consortium database, the variant was identified 205 of 121054 chromosomes (frequency: 0.002), including 177 of 66620 alleles of European (Non-Finnish), 15 of 16502 of South Asian, 10 of 11546 of Latinos and 3 of 906 of Other alleles. The variant was not found in African, East Asian and Finnish populations. In the ClinVar database, the variant was identified by 8 submitters with conflicting classifications: classified as pathogenic by GeneReviews and by Ambry Genetics, (who used as assertion method the Ambry Genetics Dominant and X-linked criteria); GeneDx, Invitae, OMIM (2X) classified the variant as Risk Factor; Biesecker Laboratory ClinSeq Project-NHGRI classified the variant as Uncertain significance and ITMI did not provide a classification. The variant was identified in the UMD Colon cancer database and was classified as Neutral; in COSMIC it was identified in an adenocarcinoma tumour of the large intestine. In the InSIGHT database, the variant was identified 10X and classified as a low penetrance risk allele. The p.Ile1307 residue is not conserved in mammals and mouse has a valine at the 1307 position and fish and fruit fly carry the variant 1307Lys amino acid at this position, increasing the likelihood that this variant is benign. Computational analyses (PolyPhen-2, SIFT, AlignGVGD, BLOSUM, MutationTaster) provide inconsistent predictions regarding the impact to the protein; this information is not very predictive of pathogenicity. The variant protein remains perfectly functional, yet the genetic alteration results in a small hypermutable region of DNA that may be prone to somatic mutations (Laken 1997). Several studies suggest that this variant increases risk of colon cancer. Woodage (1998) genotyped 5,081 Ashkenazi volunteers in a community survey, identifying 376 heterozygotes and 2 homozygotes (6.1%) and concluded that APC p.Ile1307Lys carriers have a modestly elevated risk of developing cancer (less than 2-fold). Woodage also emphasized that the large majority of p.Ile1307Lys carriers would not develop cancer of the colon. In addition, Gryfe (1999) identified the APC p.Ile1307Lys allele in 48 (10.1%) of 476 Ashkenazi Jewish subjects with adenomatous polyps and/or colorectal cancer. Compared with the frequency of 2 separate population control groups, the APC p.Ile1307Lys allele was associated with an estimated relative risk of 1.5 to 1.7 for colorectal neoplasia (P = 0.01). Compared with non-carriers, APC p.Ile1307Lys carriers had increased numbers of adenomas and colorectal cancers per patient, as well as a younger age at diagnosis. Fraying (1998), identified this variant in 3 individuals with multiple colonic adenomas, but also identified this variant in 8% of Ashkenazi controls from North London. In the most recent study (Boursi 2013), the variant was analyzed in 3305 Israelis undergoing colonoscopy; clinical data regarding potential risk factors were collected to determine if the p.Ile1307Lys variant was a risk factor in CRC in Ashkenazi Jews. This analysis included the prospective evaluation of 3305 consecutive Israeli subjects. Analysis consisted of high risk and average risk subjects. High risk (n=560) were diagnosed less than 60 years with family or personal history of CRC; Average risk (n=1779) were asymptomatic. It focused on a unique subpopulation of Ashkenazi Jews at average risk for CRC in order to assess the need to modify colonoscopy surveillance among p.Ile1307Lys carriers. Overall, the odds ratio for CRC among carriers was 1.51. Among average risk AJ patients the OR was 1.75 (adjusted for other risk factors). A recent meta-analysis of APC polymorphism and colorectal cancer from published data using pooled odds ratios and 95% confidence intervals were calculated by using Comprehensive Meta-Analysis software with a 2-tailed a-value of 0.05. Compared with those who carried the wild-type, Ashkenazi Jews who carried the p.Ile1307Lys variant were at a significantly increased risk for colorectal neoplasia, with a pooled odds ratio of 2.17 (95% confidence interval: 1.64-2.86)(Liang 2013). The authors suggest that the APC p.Ile1307Lys variant is an important risk factor for colorectal neoplasia in Ashkenazi Jews and carriers in this group should be considered for screening colonoscopy at the age of 40, to be repeated every 5 years, similar to recommendations in individuals with family history of colorectal cancer. In summary, based on the above information, the clinical significance of this variant cannot be determined with certainty at this time, although this variant may be a low-penetrance allele that mildly increases the risk of developing colorectal cancer, it is not directly linked to a “polyposis” phenotype. Based on the above information, the clinical significance of this variant cannot be determined with certainty at this time. This variant is classified as a variant of uncertain significance in association with FAP. However, this variant is considered a risk factor for colorectal cancer.

GeneReviews
No classification provided. Condition: Familial adenomatous polyposis 1. Review status: no classification provided. Collection method: literature only. Allele origin: unknown. Not counted in ClinVar's aggregate classification.

Genome Diagnostics Laboratory, Amsterdam University Medical Center
Classification: Uncertain significance. Review status: no assertion criteria provided. Collection method: clinical testing. Allele origin: germline. Affected: yes. Study: VKGL Data-share Consensus. Not counted in ClinVar's aggregate classification.

Joint Genome Diagnostic Labs from Nijmegen and Maastricht, Radboudumc and MUMC+
Classification: Uncertain significance. Review status: no assertion criteria provided. Collection method: clinical testing. Allele origin: germline. Affected: yes. Study: VKGL Data-share Consensus. Not counted in ClinVar's aggregate classification.

Laboratory of Diagnostic Genome Analysis, Leiden University Medical Center (LUMC)
Classification: Uncertain significance. Review status: no assertion criteria provided. Collection method: clinical testing. Allele origin: germline. Affected: yes. Study: VKGL Data-share Consensus. Not counted in ClinVar's aggregate classification.

Laboratory of Medical Genetics Unit, Bambino Gesù Children's Hospital
Classification: Established risk allele for Hereditary cancer-predisposing syndrome. Review status: no assertion criteria provided. Collection method: clinical testing. Allele origin: germline. Inheritance: Autosomal dominant inheritance. Affected: yes. Not counted in ClinVar's aggregate classification.
Comment: The c.3920T>A (p.Ile1307Lys) variant in the APC gene has been associated with a moderate increased risk of colorectal cancer (CRC), particularly in individuals of Ashkenazi Jewish population [PMID 18770064, 24416237]. This variant has also been reported at a high frequency, present in 6% of Ashkenazi Jews and about 28% of Ashkenazim with a family history of colorectal cancer [PMID: 9288102]. There is not enough evidence to support an increased risk of cancer in other populations/subpopulations.

Genomic Medicine Center of Excellence, King Faisal Specialist Hospital and Research Centre
Classification: Likely benign for Familial adenomatous polyposis 1. Last evaluated: 2025-07-30. Review status: flagged submission. Criteria: ACMG Guidelines, 2015. Collection method: clinical testing. Allele origin: germline. Not counted in ClinVar's aggregate classification.
ClinVar note: Reason: Outlier claim with insufficient supporting evidence

Literature cited by the submitters: PubMed 10938175 (cited by Ambry Genetics and Quest Diagnostics Nichols Institute San Juan Capistrano); PubMed 11159880 (cited by 3 submitters); PubMed 16228836 (cited by 3 submitters); PubMed 23576677 (cited by 13 submitters); PubMed 23896379 (cited by 12 submitters); PubMed 26314409 (cited by 4 submitters); PubMed 26421687 (cited by 8 submitters); PubMed 34720931 (cited by Ambry Genetics); PubMed 37076288 (cited by 4 submitters); PubMed 9973276 (cited by 4 submitters); PubMed 9288102 (cited by 13 submitters); PubMed 9751605 (cited by 5 submitters); PubMed 19029688 (cited by Center for Genomic Medicine, Rigshospitalet, Copenhagen University Hospital); PubMed 33193653 (cited by 3 submitters); PubMed 38697781 (cited by Center for Genomic Medicine, Rigshospitalet, Copenhagen University Hospital); PubMed 18343606 (cited by 3 submitters); PubMed 26845104 (cited by Women's Health and Genetics/Laboratory Corporation of America, LabCorp); PubMed 26300997 (cited by Women's Health and Genetics/Laboratory Corporation of America, LabCorp); PubMed 26394139 (cited by Women's Health and Genetics/Laboratory Corporation of America, LabCorp); PubMed 24416237 (cited by 4 submitters); PubMed 27153395 (cited by 3 submitters); PubMed 27978560 (cited by Women's Health and Genetics/Laboratory Corporation of America, LabCorp); PubMed 14633595 (cited by 4 submitters); PubMed 28135145 (cited by 3 submitters).